The following is an entry in ClinVar:

NM_000350.3(ABCA4):c.4874A>G (p.His1625Arg)

Genes: ABCA4 (ATP binding cassette subfamily A member 4; minus strand), LOC126805793 (CDK7 strongly-dependent group 2 enhancer GRCh37_chr1:94486302-94487501; plus strand). Cytogenetic location: 1p22.1.
Variant type: single nucleotide variant.
Coding change: c.4874A>G on transcript NM_000350.3 (MANE Select); coding-DNA position 4874, A replaced by G.
Protein change: p.His1625Arg; replaces histidine 1625 with arginine.
Molecular consequence: missense variant.
Genome position (GRCh38, 1-based): chr1:94,021,384, T>C on the plus strand (A>G on the coding strand, the complement: ABCA4 is on the minus strand). VCF-style: chr1-94021384-T-C. GRCh37 (hg19) VCF-style: chr1-94486940-T-C.
Other names: c.4652A>G, p.His1551Arg (NM_001425324.1); short protein forms H1625R, H1551R.
Identifiers: ClinVar variation 1452188 (VCV001452188.6), dbSNP rs972980821, ClinGen allele CA26844877.
Genomic context (GRCh38, chr1:94,021,384, plus strand): 5'-TTAGGCAGGCTGGCCCGTAAGATGGCGTTGTGGGCCACATTGAGAAAGCTGACCAGGGCA[T>C]GCCAGCCTTTGTTATTAAACCACACCTAGAGGGTGGAGAGGACATCTGAGACGCTGCACT-3'
Protein context (NP_000341.2, residues 1615-1635): IKVWFNNKGW[His1625Arg]ALVSFLNVAH

ClinVar aggregate classification (germline): Pathogenic (1 of 4 stars; one submission).

Submission:

Labcorp Genetics (formerly Invitae), Labcorp
Classification: Pathogenic. Last evaluated: 2025-02-10. Review status: criteria provided, single submitter. Criteria: Invitae Variant Classification Sherloc (09022015). Collection method: clinical testing. Allele origin: germline.
Comment: This sequence change replaces histidine, which is basic and polar, with arginine, which is basic and polar, at codon 1625 of the ABCA4 protein (p.His1625Arg). This variant is not present in population databases (gnomAD no frequency). This missense change has been observed in individual(s) with Stargardt disease (internal data). ClinVar contains an entry for this variant (Variation ID: 1452188). Invitae Evidence Modeling of protein sequence and biophysical properties (such as structural, functional, and spatial information, amino acid conservation, physicochemical variation, residue mobility, and thermodynamic stability) indicates that this missense variant is expected to disrupt ABCA4 protein function with a positive predictive value of 95%. This variant disrupts the p.His1625 amino acid residue in ABCA4. Other variant(s) that disrupt this residue have been determined to be pathogenic (PMID: 27353947, 29555955; internal data). This suggests that this residue is clinically significant, and that variants that disrupt this residue are likely to be disease-causing. For these reasons, this variant has been classified as Pathogenic.

Literature cited by the submitters: PubMed 27353947; PubMed 29555955.